The following is an entry in ClinVar:

ClinVar aggregate classification (germline): Likely benign (0 of 4 stars; one submission).

Conditions:
ATP2B4-related disorder. Also called: ATP2B4-related condition.

Allele frequency attached by ClinVar (database versions not stated): gnomAD 0.00001; gnomAD exomes 0.00001; ExAC 0.00002.
gnomAD v4.1: 19 of 1,614,086 alleles (0.0012%); highest among the groups gnomAD compares: Non-Finnish European, 0.0015%; no homozygotes.

Submission:

PreventionGenetics, part of Exact Sciences
Classification: Likely benign for ATP2B4-related condition. Last evaluated: 2019-02-27. Review status: no assertion criteria provided. Collection method: clinical testing. Allele origin: germline.
Comment: This variant is classified as likely benign based on ACMG/AMP sequence variant interpretation guidelines (Richards et al. 2015 PMID: 25741868, with internal and published modifications).

NM_001684.5(ATP2B4):c.1410G>A (p.Leu470=)

Gene: ATP2B4 (ATPase plasma membrane Ca2+ transporting 4; plus strand). Cytogenetic location: 1q32.1.
Variant type: single nucleotide variant.
Coding change: c.1410G>A on transcript NM_001684.5 (MANE Select); coding-DNA position 1410, G replaced by A.
Protein change: p.Leu470=; no amino-acid change (leucine 470 retained).
Molecular consequence: synonymous variant.
Genome position (GRCh38, 1-based): chr1:203,707,957, G>A. VCF-style: chr1-203707957-G-A. GRCh37 (hg19) VCF-style: chr1-203677085-G-A.
Other names: c.1410G>A, p.Leu470= (NM_001001396.3, NM_001365783.2, NM_001365784.2).
Identifiers: ClinVar variation 3057705 (VCV003057705.2), dbSNP rs752713893, ClinGen allele CA1341620.